The following is an entry in ClinVar:

ClinVar aggregate classification (germline): Uncertain significance (1 of 4 stars; one submission).

Conditions:
Long QT syndrome (LQTS). Identifiers: MedGen C0023976, MeSH D008133, MONDO:0002442. Disease mechanism: loss of function. Inheritance: Various modes of inheritance.

Submission:

Labcorp Genetics (formerly Invitae), Labcorp
Classification: Uncertain significance for Long QT syndrome. Last evaluated: 2025-04-09. Review status: criteria provided, single submitter. Criteria: Invitae Variant Classification Sherloc (09022015). Collection method: clinical testing. Allele origin: germline.
Comment: This sequence change replaces arginine, which is basic and polar, with glycine, which is neutral and non-polar, at codon 2101 of the CACNA1C protein (p.Arg2101Gly). This variant is not present in population databases (gnomAD no frequency). This variant has not been reported in the literature in individuals affected with CACNA1C-related conditions. Invitae Evidence Modeling of protein sequence and biophysical properties (such as structural, functional, and spatial information, amino acid conservation, physicochemical variation, residue mobility, and thermodynamic stability) indicates that this missense variant is not expected to disrupt CACNA1C protein function with a negative predictive value of 95%. In summary, the available evidence is currently insufficient to determine the role of this variant in disease. Therefore, it has been classified as a Variant of Uncertain Significance.

NM_000719.7(CACNA1C):c.6301A>G (p.Arg2101Gly)

Genes: CACNA1C (calcium voltage-gated channel subunit alpha1 C; plus strand), CACNA1C-AS1 (CACNA1C antisense RNA 1; minus strand). Cytogenetic location: 12p13.33.
Variant type: single nucleotide variant.
Coding change: c.6301A>G on transcript NM_000719.7 (MANE Select); coding-DNA position 6301, A replaced by G.
Protein change: p.Arg2101Gly; replaces arginine 2101 with glycine.
Molecular consequence: missense variant. On other transcripts: non-coding transcript variant (1).
Genome position (GRCh38, 1-based): chr12:2,691,083, A>G. VCF-style: chr12-2691083-A-G. GRCh37 (hg19) VCF-style: chr12-2800249-A-G.
Other names: c.6445A>G, p.Arg2149Gly (NM_001129827.2); c.6424A>G, p.Arg2142Gly (NM_001129829.2); c.6406A>G, p.Arg2136Gly (NM_001129830.3, NM_001167624.3); c.6385A>G, p.Arg2129Gly (NM_001129831.2); c.6361A>G, p.Arg2121Gly (NM_001129832.2); c.6358A>G, p.Arg2120Gly (NM_001129833.2, NM_001129834.2, NM_001129835.2); c.6352A>G, p.Arg2118Gly (NM_001129836.2); c.6325A>G, p.Arg2109Gly (NM_001129837.2, NM_001129838.2); and 6 more; short protein forms R2090G, R2098G, R2101G, R2107G, R2109G, R2118G, R2120G, R2121G.
Identifiers: ClinVar variation 4801138 (VCV004801138.1).